The following is an entry in ClinVar:

NM_001048174.2(MUTYH):c.102_103insGT (p.Ser35fs)

Gene: MUTYH (mutY DNA glycosylase; minus strand). Cytogenetic location: 1p34.1.
Variant type: Insertion.
Coding change: c.102_103insGT on transcript NM_001048174.2 (MANE Select); coding-DNA positions 102 to 103, GT inserted.
Protein change: p.Ser35fs; shifts the reading frame from serine 35.
Molecular consequence: frameshift variant. On other transcripts: 5 prime UTR variant (4), non-coding transcript variant (2).
Genome position: GRCh38 VCF-style: chr1-45334403-A-AAC. GRCh37 (hg19) VCF-style: chr1-45800075-A-AAC.
Other names: c.102_103insGT, p.Ser35fs (NM_001048171.2, NM_001048172.2, NM_001048173.2 and 2 more transcripts); c.144_145insGT, p.Ser49fs (NM_001128425.2, NM_001293190.2, NM_012222.3); c.-111_-110insGT (NM_001293192.2, NM_001293196.2); c.101_102insTG, p.Ser35Valfs (NM_001407078.1, NM_001407079.1, NM_001407080.1 and 10 more transcripts); c.-107_-106insTG (NM_001407082.1); c.119_120insTG, p.Ser41Valfs (NM_001407087.1); c.-112_-111insTG (NM_001407091.1); c.144_145insGT (NM_001128425.1); and 4 more; short protein forms S35fs, S49fs.
Identifiers: ClinVar variation 2089999 (VCV002089999.5), dbSNP rs2524351874, ClinGen allele CA2580063291.
Genomic context (GRCh38, chr1:45,334,403, plus strand): 5'-TCTGCCTTTCATGGCCAATGAGCCTTGGGCCACAACCTAGTTCCTTACCATCACAGGCAG[A>AAC]AGGCTTGGCCTGACTGTTGTTCTTAGCATGCTTCTGCCTCCCTTCCTGGCTGGCTGCCTG-3'

ClinVar aggregate classification (germline): Pathogenic. Review status: criteria provided, multiple submitters, no conflicts (2 of 4 stars). 2 submissions from 2 submitters: Pathogenic (2). Last evaluated 2025-03-20.

Conditions:
Familial adenomatous polyposis 2. Also called: MUTYH Polyposis; COLORECTAL ADENOMATOUS POLYPOSIS, AUTOSOMAL RECESSIVE; ADENOMAS, MULTIPLE COLORECTAL, AUTOSOMAL RECESSIVE; MUTYH-associated polyposis; MYH-associated polyposis; MUTYH-related attenuated familial adenomatous polyposis. Identifiers: Orphanet 220460, Orphanet 247798, MedGen C3272841, MONDO:0012041, OMIM 608456.
Hereditary cancer-predisposing syndrome. Also called: Neoplastic Syndromes, Hereditary; Tumor predisposition; Hereditary Cancer Syndrome; Hereditary neoplastic syndrome. Identifiers: Orphanet 140162, MedGen C0027672, MeSH D009386, MONDO:0015356.

Submissions (2):

Ambry Genetics
Classification: Pathogenic for Hereditary cancer-predisposing syndrome. Last evaluated: 2025-03-20. Review status: criteria provided, single submitter. Criteria: Ambry Variant Classification Scheme 2023. Collection method: clinical testing. Allele origin: germline.
Comment: The c.144_145insGT pathogenic mutation, located in coding exon 2 of the MUTYH gene, results from an insertion of two nucleotides at position 144, causing a translational frameshift with a predicted alternate stop codon (p.S49Vfs*10). This variant is considered to be rare based on population cohorts in the Genome Aggregation Database (gnomAD). This alteration is expected to result in loss of function by premature protein truncation or nonsense-mediated mRNA decay. As such, this alteration is interpreted as a disease-causing mutation.

Labcorp Genetics (formerly Invitae), Labcorp
Classification: Pathogenic for Familial adenomatous polyposis 2. Last evaluated: 2022-01-26. Review status: criteria provided, single submitter. Criteria: Invitae Variant Classification Sherloc (09022015). Collection method: clinical testing. Allele origin: germline.
Comment: For these reasons, this variant has been classified as Pathogenic. This sequence change creates a premature translational stop signal (p.Ser49Valfs*10) in the MUTYH gene. It is expected to result in an absent or disrupted protein product. Loss-of-function variants in MUTYH are known to be pathogenic (PMID: 18534194, 20663686). This variant is not present in population databases (gnomAD no frequency). This variant has not been reported in the literature in individuals affected with MUTYH-related conditions.

Literature cited by the submitters: PubMed 18534194 (cited by Labcorp Genetics (formerly Invitae), Labcorp); PubMed 20663686 (cited by Labcorp Genetics (formerly Invitae), Labcorp).